The following is an entry in ClinVar:

NM_024809.5(TCTN2):c.1791G>T (p.Gln597His)

Gene: TCTN2 (tectonic family member 2; plus strand). Cytogenetic location: 12q24.31.
Variant type: single nucleotide variant.
Coding change: c.1791G>T on transcript NM_024809.5 (MANE Select); coding-DNA position 1791, G replaced by T.
Protein change: p.Gln597His; replaces glutamine 597 with histidine.
Molecular consequence: missense variant.
Genome position (GRCh38, 1-based): chr12:123,706,747, G>T. VCF-style: chr12-123706747-G-T. GRCh37 (hg19) VCF-style: chr12-124191294-G-T.
Other names: c.1788G>T, p.Gln596His (NM_001143850.3); c.1656G>T, p.Gln552His (NM_001410989.1); short protein forms Q552H, Q596H, Q597H.
Identifiers: ClinVar variation 2132148 (VCV002132148.4), dbSNP rs1956234201, ClinGen allele CA387148515.

ClinVar aggregate classification (germline): Uncertain significance (1 of 4 stars; one submission).

Conditions:
Joubert syndrome. Also called: CEREBELLOPARENCHYMAL DISORDER IV; JOUBERT-BOLTSHAUSER SYNDROME; Familial aplasia of the vermis. Identifiers: Orphanet 475, MedGen C5979921, MONDO:0018772.
Meckel-Gruber syndrome. Also called: DYSENCEPHALIA SPLANCHNOCYSTICA; GRUBER SYNDROME; Dysencephalia splachnocystica. Identifiers: Orphanet 564, MedGen C0265215, MONDO:0018921.

Submission:

Labcorp Genetics (formerly Invitae), Labcorp
Classification: Uncertain significance for Joubert syndrome; Meckel-Gruber syndrome. Last evaluated: 2022-04-30. Review status: criteria provided, single submitter. Criteria: Invitae Variant Classification Sherloc (09022015). Collection method: clinical testing. Allele origin: germline.
Comment: In summary, the available evidence is currently insufficient to determine the role of this variant in disease. Therefore, it has been classified as a Variant of Uncertain Significance. Algorithms developed to predict the effect of missense changes on protein structure and function are either unavailable or do not agree on the potential impact of this missense change (SIFT: "Deleterious"; PolyPhen-2: "Possibly Damaging"; Align-GVGD: "Class C0"). This variant has not been reported in the literature in individuals affected with TCTN2-related conditions. This variant is not present in population databases (gnomAD no frequency). This sequence change replaces glutamine, which is neutral and polar, with histidine, which is basic and polar, at codon 597 of the TCTN2 protein (p.Gln597His).